The following is an entry in ClinVar:

NM_001367624.2(ZNF469):c.2770C>T (p.Pro924Ser)

Gene: ZNF469 (zinc finger protein 469; plus strand). Cytogenetic location: 16q24.2.
Variant type: single nucleotide variant.
Coding change: c.2770C>T on transcript NM_001367624.2 (MANE Select); coding-DNA position 2770, C replaced by T.
Protein change: p.Pro924Ser; replaces proline 924 with serine.
Molecular consequence: missense variant.
Genome position (GRCh38, 1-based): chr16:88,430,240, C>T. VCF-style: chr16-88430240-C-T. GRCh37 (hg19) VCF-style: chr16-88496648-C-T.
Other names: short protein forms P924S.
Identifiers: ClinVar variation 2787375 (VCV002787375.3), dbSNP rs1422792653, ClinGen allele CA397075370.

ClinVar aggregate classification (germline): Uncertain significance (1 of 4 stars; one submission).

Allele frequency attached by ClinVar (database versions not stated): gnomAD exomes below 0.00001.
gnomAD v4.1: 1 of 1,530,264 alleles (0.000065%); highest among the groups gnomAD compares: South Asian, 0.0012%; no homozygotes.

Submission:

Labcorp Genetics (formerly Invitae), Labcorp
Classification: Uncertain significance. Last evaluated: 2023-08-23. Review status: criteria provided, single submitter. Criteria: Invitae Variant Classification Sherloc (09022015). Collection method: clinical testing. Allele origin: germline.
Comment: In summary, the available evidence is currently insufficient to determine the role of this variant in disease. Therefore, it has been classified as a Variant of Uncertain Significance. Algorithms developed to predict the effect of missense changes on protein structure and function output the following: SIFT: "Not Available"; PolyPhen-2: "Probably Damaging"; Align-GVGD: "Not Available". The serine amino acid residue is found in multiple mammalian species, which suggests that this missense change does not adversely affect protein function. This variant has not been reported in the literature in individuals affected with ZNF469-related conditions. This variant is present in population databases (no rsID available, gnomAD 0.005%). This sequence change replaces proline, which is neutral and non-polar, with serine, which is neutral and polar, at codon 924 of the ZNF469 protein (p.Pro924Ser).